The following is an entry in ClinVar:

NM_001018113.3(FANCB):c.1996G>A (p.Gly666Ser)

Gene: FANCB (FA complementation group B; minus strand). Cytogenetic location: Xp22.2.
Variant type: single nucleotide variant.
Coding change: c.1996G>A on transcript NM_001018113.3 (MANE Select); coding-DNA position 1996, G replaced by A.
Protein change: p.Gly666Ser; replaces glycine 666 with serine.
Molecular consequence: missense variant.
Genome position (GRCh38, 1-based): chrX:14,844,672, C>T on the plus strand (G>A on the coding strand, the complement: FANCB is on the minus strand). VCF-style: chrX-14844672-C-T. GRCh37 (hg19) VCF-style: chrX-14862794-C-T.
Other names: c.1996G>A (NM_001018113.2, NM_152633.3); c.1996G>A, p.Gly666Ser (NM_001324162.2, NM_152633.4); short protein forms G666S.
Identifiers: ClinVar variation 246612 (VCV000246612.27), dbSNP rs145110602, ClinGen allele CA10352977.

ClinVar aggregate classification (germline): Conflicting classifications of pathogenicity. Review status: criteria provided, conflicting classifications (1 of 4 stars). 9 submissions from 9 submitters: Uncertain significance (1); Benign (3); Likely benign (2). 3 of the submissions do not count toward it. Last evaluated 2026-01-28.

Conditions:
FANCB-related disorder. Also called: FANCB-related condition.
History of neurodevelopmental disorder. Identifiers: MedGen C2711754.
Fanconi anemia (FA). Also called: Fanconi's anemia. Identifiers: Orphanet 84, MedGen C0015625, MeSH D005199, MONDO:0019391.
Fanconi anemia complementation group B (FANCB). Also called: FANCONI PANCYTOPENIA, TYPE 2; FANCB-Related Fanconi Anemia. Identifiers: Orphanet 84, MedGen C1845292, MONDO:0010351, OMIM 300514.

Allele frequency attached by ClinVar (database versions not stated): gnomAD exomes 0.00054 and 0.00116; ExAC 0.00130; 1000 Genomes Project 30x 0.00208; 1000 Genomes Project 0.00212; gnomAD 0.00318 and 0.00343; TOPMed 0.00367; ESP Exome Variant Server 0.00417.
gnomAD v4.1: 1,016 of 1,208,885 alleles (0.084%); highest among the groups gnomAD compares: African/African-American, 1.1%; 7 homozygotes.

Submissions (9):

Labcorp Genetics (formerly Invitae), Labcorp
Classification: Benign for Fanconi anemia. Last evaluated: 2026-01-28. Review status: criteria provided, single submitter. Criteria: Invitae Variant Classification Sherloc (09022015). Collection method: clinical testing. Allele origin: germline.

Dasa
Classification: Likely benign. Last evaluated: 2024-12-14. Review status: criteria provided, single submitter. Criteria: DASA Assertion Criteria. Collection method: clinical testing. Allele origin: germline.
Comment: NM_001018113.3(FANCB):c.1996G>A (p.Gly666Ser) is a missense variant that results in the substitution of glycine with serine. Population frequency is inconsistent with a disease-causing role for this variant. Computational prediction algorithms are consistent with a benign effect. Therefore, based on the currently available evidence, this variant is classified as likely benign.

Blueprint Genetics
Classification: Likely benign. Last evaluated: 2024-10-28. Review status: criteria provided, single submitter. Criteria: ACMG Guidelines, 2015. Collection method: clinical testing. Allele origin: germline.

KCCC/NGS Laboratory, Kuwait Cancer Control Center
Classification: Benign for Fanconi anemia complementation group B. Last evaluated: 2023-07-07. Review status: criteria provided, single submitter. Criteria: ACMG Guidelines, 2015. Collection method: clinical testing. Allele origin: germline. Affected: yes.

Genetic Services Laboratory, University of Chicago
Classification: Benign. Last evaluated: 2018-11-19. Review status: criteria provided, single submitter. Criteria: ACMG Guidelines, 2015. Collection method: clinical testing. Allele origin: germline. Affected: no.

Ambry Genetics
Classification: Uncertain significance for History of neurodevelopmental disorder. Last evaluated: 2013-03-16. Review status: criteria provided, single submitter. Criteria: Ambry Autosomal Dominant and X-Linked criteria (10/2015). Collection method: clinical testing. Allele origin: germline. Observed: 1 variant allele.
Comment: Co-segregation data for this variant is currently unavailable.This variant has not been detected in conjunction with a pathogenic mutation to date.This variant was previously reported in the SNPDatabase as rs145110602. Based on data from the NHLBI Exome Sequencing Project (ESP), the A-allele has an overall frequency of approximately 0.25% (5/1997) total male alleles studied and but was not observed in the homozygous state out of 3381females studied. The A-allele was observed in 0.96% (5/522) African American male alleles but was absent out of 1475 European American male alleles studied. Based on data from the 1000 Genomes Project, the A-allele has an overall frequency of approximately 2/1048 (0.19%) and the highest frequency was in 2/48 (4.17%) African-American SW male chromosomes studied.This amino acid position is not conserved on species alignment.This alteration is predicted to be benign with a score of 0.002 (sensitivity: 0.99; specificity: 0.17)This alteration is predicted to be tolerated with a score of 0.390 (conservation: 2.57)

PreventionGenetics, part of Exact Sciences
Classification: Benign for FANCB-related condition. Last evaluated: 2019-09-18. Review status: no assertion criteria provided. Collection method: clinical testing. Allele origin: germline. Not counted in ClinVar's aggregate classification.
Comment: This variant is classified as benign based on ACMG/AMP sequence variant interpretation guidelines (Richards et al. 2015 PMID: 25741868, with internal and published modifications).

Clinical Genetics DNA and cytogenetics Diagnostics Lab, Erasmus MC, Erasmus Medical Center
Classification: Likely benign. Review status: no assertion criteria provided. Collection method: clinical testing. Allele origin: germline. Affected: yes. Study: VKGL Data-share Consensus. Not counted in ClinVar's aggregate classification.

Laboratory of Diagnostic Genome Analysis, Leiden University Medical Center (LUMC)
Classification: Benign. Review status: no assertion criteria provided. Collection method: clinical testing. Allele origin: germline. Affected: yes. Study: VKGL Data-share Consensus. Not counted in ClinVar's aggregate classification.